The following is an entry in ClinVar:

ClinVar aggregate classification (germline): Uncertain significance. Review status: criteria provided, multiple submitters, no conflicts (2 of 4 stars). 4 submissions from 4 submitters: Uncertain significance (4). Last evaluated 2026-05-08.

Conditions:
Cardiovascular phenotype. Identifiers: MedGen CN230736.
Hereditary cancer-predisposing syndrome. Also called: Hereditary Cancer Syndrome; Hereditary neoplastic syndrome; Neoplastic Syndromes, Hereditary; Tumor predisposition. Identifiers: Orphanet 140162, MedGen C0027672, MeSH D009386, MONDO:0015356.

Allele frequency attached by ClinVar (database versions not stated): TOPMed below 0.00001; ExAC 0.00001; gnomAD 0.00001.
gnomAD v4.1: 10 of 1,611,134 alleles (0.00062%); highest among the groups gnomAD compares: Admixed American, 0.0033%; no homozygotes.

Submissions (4):

Women's Health and Genetics/Laboratory Corporation of America, LabCorp
Classification: Uncertain significance. Last evaluated: 2026-05-08. Review status: criteria provided, single submitter. Criteria: LabCorp Variant Classification Summary - May 2015. Collection method: clinical testing. Allele origin: germline.

Labcorp Genetics (formerly Invitae), Labcorp
Classification: Uncertain significance. Last evaluated: 2025-08-03. Review status: criteria provided, single submitter. Criteria: Invitae Variant Classification Sherloc (09022015). Collection method: clinical testing. Allele origin: germline.
Comment: This sequence change falls in intron 18 of the LZTR1 gene. It does not directly change the encoded amino acid sequence of the LZTR1 protein. It affects a nucleotide within the consensus splice site. This variant is present in population databases (rs201945127, gnomAD 0.003%). This variant has not been reported in the literature in individuals affected with LZTR1-related conditions. ClinVar contains an entry for this variant (Variation ID: 1787878). Variants that disrupt the consensus splice site are a relatively common cause of aberrant splicing (PMID: 17576681, 9536098). Algorithms developed to predict the effect of sequence changes on RNA splicing suggest that this variant may disrupt the consensus splice site. In summary, the available evidence is currently insufficient to determine the role of this variant in disease. Therefore, it has been classified as a Variant of Uncertain Significance.

Ambry Genetics
Classification: Uncertain significance for Cardiovascular phenotype; Hereditary cancer-predisposing syndrome. Last evaluated: 2020-12-21. Review status: criteria provided, single submitter. Criteria: Ambry Variant Classification Scheme 2023. Collection method: clinical testing. Allele origin: germline.
Comment: The c.2219+5C>T intronic variant results from a C to T substitution 5 nucleotides after coding exon 18 in the LZTR1 gene. This nucleotide position is highly conserved in available vertebrate species. In silico splice site analysis predicts that this alteration will not have any significant effect on splicing. Since supporting evidence is limited at this time, the clinical significance of this alteration remains unclear.

Blueprint Genetics
Classification: Uncertain significance. Last evaluated: 2019-10-10. Review status: criteria provided, single submitter. Criteria: ACMG Guidelines, 2015. Collection method: clinical testing. Allele origin: germline.

Literature cited by the submitters: PubMed 17576681 (cited by Labcorp Genetics (formerly Invitae), Labcorp); PubMed 9536098 (cited by Labcorp Genetics (formerly Invitae), Labcorp).

NM_006767.4(LZTR1):c.2219+5C>T

Gene: LZTR1 (leucine zipper like post translational regulator 1; plus strand). Cytogenetic location: 22q11.21.
Variant type: single nucleotide variant.
Coding change: c.2219+5C>T on transcript NM_006767.4 (MANE Select); 5 bases into the intron after coding-DNA position 2219, C replaced by T.
Molecular consequence: intron variant.
Genome position (GRCh38, 1-based): chr22:20,996,117, C>T. VCF-style: chr22-20996117-C-T. GRCh37 (hg19) VCF-style: chr22-21350406-C-T.
Identifiers: ClinVar variation 1787878 (VCV001787878.7), dbSNP rs201945127, ClinGen allele CA10119279.